The following is an entry in ClinVar:

NM_181486.4(TBX5):c.818C>T (p.Pro273Leu)

Gene: TBX5 (T-box transcription factor 5; minus strand). Cytogenetic location: 12q24.21.
Variant type: single nucleotide variant.
Coding change: c.818C>T on transcript NM_181486.4 (MANE Select); coding-DNA position 818, C replaced by T.
Protein change: p.Pro273Leu; replaces proline 273 with leucine.
Molecular consequence: missense variant.
Genome position (GRCh38, 1-based): chr12:114,366,329, G>A on the plus strand (C>T on the coding strand, the complement: TBX5 is on the minus strand). VCF-style: chr12-114366329-G-A. GRCh37 (hg19) VCF-style: chr12-114804134-G-A.
Other names: c.818C>T, p.Pro273Leu (NM_000192.3); c.668C>T, p.Pro223Leu (NM_080717.4); short protein forms P223L, P273L.
Identifiers: ClinVar variation 4181312 (VCV004181312.2).

ClinVar aggregate classification (germline): Uncertain significance. Review status: criteria provided, multiple submitters, no conflicts (2 of 4 stars). 2 submissions from 2 submitters: Uncertain significance (2). Last evaluated 2025-08-05.

Conditions:
Cardiovascular phenotype. Identifiers: MedGen CN230736.
Aortic valve disease 2 (AOVD2). Identifiers: MedGen C3542024, MONDO:0013902, OMIM 614823.

gnomAD v4.1: 2 of 1,614,092 alleles (0.00012%); no homozygotes.

Submissions (2):

Ambry Genetics
Classification: Uncertain significance for Cardiovascular phenotype. Last evaluated: 2025-08-05. Review status: criteria provided, single submitter. Criteria: Ambry Variant Classification Scheme 2023. Collection method: clinical testing. Allele origin: germline.

Labcorp Genetics (formerly Invitae), Labcorp
Classification: Uncertain significance for Aortic valve disease 2. Last evaluated: 2025-04-02. Review status: criteria provided, single submitter. Criteria: Invitae Variant Classification Sherloc (09022015). Collection method: clinical testing. Allele origin: germline.
Comment: This sequence change replaces proline, which is neutral and non-polar, with leucine, which is neutral and non-polar, at codon 273 of the TBX5 protein (p.Pro273Leu). This variant is not present in population databases (gnomAD no frequency). This variant has not been reported in the literature in individuals affected with TBX5-related conditions. Invitae Evidence Modeling of protein sequence and biophysical properties (such as structural, functional, and spatial information, amino acid conservation, physicochemical variation, residue mobility, and thermodynamic stability) indicates that this missense variant is not expected to disrupt TBX5 protein function with a negative predictive value of 80%. In summary, the available evidence is currently insufficient to determine the role of this variant in disease. Therefore, it has been classified as a Variant of Uncertain Significance.